The following is an entry in ClinVar:

NM_000350.3(ABCA4):c.2029G>C (p.Glu677Gln)

Gene: ABCA4 (ATP binding cassette subfamily A member 4; minus strand). Cytogenetic location: 1p22.1.
Variant type: single nucleotide variant.
Coding change: c.2029G>C on transcript NM_000350.3 (MANE Select); coding-DNA position 2029, G replaced by C.
Protein change: p.Glu677Gln; replaces glutamic acid 677 with glutamine.
Molecular consequence: missense variant.
Genome position (GRCh38, 1-based): chr1:94,060,668, C>G on the plus strand (G>C on the coding strand, the complement: ABCA4 is on the minus strand). VCF-style: chr1-94060668-C-G. GRCh37 (hg19) VCF-style: chr1-94526224-C-G.
Other names: c.2029G>C, p.Glu677Gln (NM_001425324.1); short protein forms E677Q.
Identifiers: ClinVar variation 2705305 (VCV002705305.3), dbSNP rs2101075259, ClinGen allele CA341278699.

ClinVar aggregate classification (germline): Likely pathogenic (1 of 4 stars; one submission).

Submission:

Labcorp Genetics (formerly Invitae), Labcorp
Classification: Likely pathogenic. Last evaluated: 2024-01-04. Review status: criteria provided, single submitter. Criteria: Invitae Variant Classification Sherloc (09022015). Collection method: clinical testing. Allele origin: germline.
Comment: This sequence change replaces glutamic acid, which is acidic and polar, with glutamine, which is neutral and polar, at codon 677 of the ABCA4 protein (p.Glu677Gln). This variant is not present in population databases (gnomAD no frequency). This variant has not been reported in the literature in individuals affected with ABCA4-related conditions. Advanced modeling of protein sequence and biophysical properties (such as structural, functional, and spatial information, amino acid conservation, physicochemical variation, residue mobility, and thermodynamic stability) performed at Invitae indicates that this missense variant is expected to disrupt ABCA4 protein function with a positive predictive value of 95%. This variant disrupts the p.Glu677 amino acid residue in ABCA4. Other variant(s) that disrupt this residue have been determined to be pathogenic (Invitae). This suggests that this residue is clinically significant, and that variants that disrupt this residue are likely to be disease-causing. In summary, the currently available evidence indicates that the variant is pathogenic, but additional data are needed to prove that conclusively. Therefore, this variant has been classified as Likely Pathogenic.